The following is an entry in ClinVar:

NM_001367823.1(ARHGEF18):c.3719C>T (p.Ala1240Val)

Gene: ARHGEF18 (Rho/Rac guanine nucleotide exchange factor 18; plus strand). Cytogenetic location: 19p13.2.
Variant type: single nucleotide variant.
Coding change: c.3719C>T on transcript NM_001367823.1 (MANE Select); coding-DNA position 3719, C replaced by T.
Protein change: p.Ala1240Val; replaces alanine 1240 with valine.
Molecular consequence: missense variant.
Genome position (GRCh38, 1-based): chr19:7,469,063, C>T. VCF-style: chr19-7469063-C-T. GRCh37 (hg19) VCF-style: chr19-7533949-C-T.
Other names: c.2993C>T, p.Ala998Val (NM_001130955.2); c.2681C>T, p.Ala894Val (NM_001367824.1, NM_015318.4); short protein forms A998V, A894V, A1240V.
Identifiers: ClinVar variation 1954187 (VCV001954187.7), dbSNP rs749479535, ClinGen allele CA9137221.

ClinVar aggregate classification (germline): Uncertain significance. Review status: criteria provided, multiple submitters, no conflicts (2 of 4 stars). 3 submissions from 3 submitters: Uncertain significance (2). 1 of the submissions does not count toward it. Last evaluated 2022-03-04.

Conditions:
Optic atrophy. Identifiers: MedGen C0029124, MONDO:0003608, HP:0000648.

Allele frequency attached by ClinVar (database versions not stated): TOPMed below 0.00001; ExAC 0.00001; gnomAD exomes 0.00002.
gnomAD v4.1: 29 of 1,607,960 alleles (0.0018%); highest among the groups gnomAD compares: Non-Finnish European, 0.0021%; no homozygotes.

Submissions (3):

Labcorp Genetics (formerly Invitae), Labcorp
Classification: Uncertain significance. Last evaluated: 2022-03-04. Review status: criteria provided, single submitter. Criteria: Invitae Variant Classification Sherloc (09022015). Collection method: clinical testing. Allele origin: germline.
Comment: This sequence change replaces alanine, which is neutral and non-polar, with valine, which is neutral and non-polar, at codon 1052 of the ARHGEF18 protein (p.Ala1052Val). The frequency data for this variant in the population databases is considered unreliable, as metrics indicate poor data quality at this position in the gnomAD database. This variant has not been reported in the literature in individuals affected with ARHGEF18-related conditions. Algorithms developed to predict the effect of missense changes on protein structure and function (SIFT, PolyPhen-2, Align-GVGD) all suggest that this variant is likely to be disruptive. In summary, the available evidence is currently insufficient to determine the role of this variant in disease. Therefore, it has been classified as a Variant of Uncertain Significance.

Blueprint Genetics
Classification: Uncertain significance. Last evaluated: 2021-08-24. Review status: criteria provided, single submitter. Criteria: ACMG Guidelines, 2015. Collection method: clinical testing. Allele origin: germline.

Institute of Human Genetics, Univ. Regensburg, Univ. Regensburg
Classification: Uncertain significance for Optic atrophy. Last evaluated: 2022-01-01. Review status: no assertion criteria provided. Criteria: ACMG Guidelines, 2015. Collection method: clinical testing. Allele origin: germline. Affected: yes. Not counted in ClinVar's aggregate classification.